The following is an entry in ClinVar:

NM_000051.4(ATM):c.1685A>C (p.Asn562Thr)

Gene: ATM (ATM serine/threonine kinase; plus strand). Cytogenetic location: 11q22.3.
Variant type: single nucleotide variant.
Coding change: c.1685A>C on transcript NM_000051.4 (MANE Select); coding-DNA position 1685, A replaced by C.
Protein change: p.Asn562Thr; replaces asparagine 562 with threonine.
Molecular consequence: missense variant.
Genome position (GRCh38, 1-based): chr11:108,251,914, A>C. VCF-style: chr11-108251914-A-C. GRCh37 (hg19) VCF-style: chr11-108122641-A-C.
Other names: c.1685A>C, p.Asn562Thr (NM_001351834.2); short protein forms N562T.
Identifiers: ClinVar variation 655728 (VCV000655728.8), dbSNP rs368209025, ClinGen allele CA382535182.

ClinVar aggregate classification (germline): Uncertain significance (1 of 4 stars; one submission).

Conditions:
Ataxia-telangiectasia syndrome (AT). Also called: ATAXIA-TELANGIECTASIA, FRESNO VARIANT; Ataxia-telangiectasia, complementation group D; Cerebello-oculocutaneous telangiectasia; Immunodeficiency with ataxia telangiectasia; Ataxia-telangiectasia; Ataxia telangiectasia (A-T). Identifiers: Orphanet 100, MedGen C0004135, MONDO:0008840, OMIM 208900.

Submission:

Labcorp Genetics (formerly Invitae), Labcorp
Classification: Uncertain significance for Ataxia-telangiectasia syndrome. Last evaluated: 2018-10-10. Review status: criteria provided, single submitter. Criteria: Invitae Variant Classification Sherloc (09022015). Collection method: clinical testing. Allele origin: germline.
Comment: This sequence change replaces asparagine with threonine at codon 562 of the ATM protein (p.Asn562Thr). The asparagine residue is weakly conserved and there is a small physicochemical difference between asparagine and threonine. This variant is not present in population databases (ExAC no frequency). This variant has not been reported in the literature in individuals with ATM-related disease. Algorithms developed to predict the effect of missense changes on protein structure and function (SIFT, PolyPhen-2, Align-GVGD) all suggest that this variant is likely to be tolerated, but these predictions have not been confirmed by published functional studies and their clinical significance is uncertain. In summary, the available evidence is currently insufficient to determine the role of this variant in disease. Therefore, it has been classified as a Variant of Uncertain Significance.